The following is an entry in ClinVar:

ClinVar aggregate classification (germline): Likely benign. Review status: criteria provided, multiple submitters, no conflicts (2 of 4 stars). 2 submissions from 2 submitters: Likely benign (2). Last evaluated 2025-10-09.

Allele frequency attached by ClinVar (database versions not stated): gnomAD exomes below 0.00001; TOPMed 0.00002.
gnomAD v4.1: 1 of 1,613,646 alleles (0.000062%); highest among the groups gnomAD compares: African/African-American, 0.0013%; no homozygotes.

Submissions (2):

Labcorp Genetics (formerly Invitae), Labcorp
Classification: Likely benign. Last evaluated: 2025-10-09. Review status: criteria provided, single submitter. Criteria: Invitae Variant Classification Sherloc (09022015). Collection method: clinical testing. Allele origin: germline.

GeneDx
Classification: Likely benign. Last evaluated: 2017-10-03. Review status: criteria provided, single submitter. Criteria: GeneDx Variant Classification (06012015). Collection method: clinical testing. Allele origin: germline. Affected: yes.
Comment: This variant is considered likely benign or benign based on one or more of the following criteria: it is a conservative change, it occurs at a poorly conserved position in the protein, it is predicted to be benign by multiple in silico algorithms, and/or has population frequency not consistent with disease.

NM_006767.4(LZTR1):c.320+15G>A

Gene: LZTR1 (leucine zipper like post translational regulator 1; plus strand). Cytogenetic location: 22q11.21.
Variant type: single nucleotide variant.
Coding change: c.320+15G>A on transcript NM_006767.4 (MANE Select); 15 bases into the intron after coding-DNA position 320, G replaced by A.
Molecular consequence: intron variant.
Genome position (GRCh38, 1-based): chr22:20,985,912, G>A. VCF-style: chr22-20985912-G-A. GRCh37 (hg19) VCF-style: chr22-21340201-G-A.
Identifiers: ClinVar variation 512514 (VCV000512514.5), dbSNP rs1042833679, ClinGen allele CA322321272.